The following is an entry in ClinVar:

NM_007294.4(BRCA1):c.4675+563A>T

Gene: BRCA1 (BRCA1 DNA repair associated; minus strand). Cytogenetic location: 17q21.31.
Variant type: single nucleotide variant.
Coding change: c.4675+563A>T on transcript NM_007294.4 (MANE Select); 563 bases into the intron after coding-DNA position 4675, A replaced by T.
Molecular consequence: intron variant.
Genome position (GRCh38, 1-based): chr17:43,073,768, T>A on the plus strand (A>T on the coding strand, the complement: BRCA1 is on the minus strand). VCF-style: chr17-43073768-T-A. GRCh37 (hg19) VCF-style: chr17-41225785-T-A.
Other names: IVS 15+563A>T; c.4669+563A>T (NM_001407635.1, NM_001407640.1, NM_001407631.1 and 14 more transcripts); c.4672+563A>T (NM_001407614.1, NM_001407626.1, NM_001407617.1 and 17 more transcripts); c.4738+563A>T (NM_001407587.1, NM_001407585.1, NM_007300.4 and 1 more transcripts); c.1126+563A>T (NM_001408494.1); c.1240+563A>T (NM_001408444.1, NM_001408438.1, NM_001408432.1 and 10 more transcripts); c.1243+563A>T (NM_001408430.1, NM_001408427.1, NM_001408431.1 and 4 more transcripts); c.4546+563A>T (NM_001407682.1, NM_001407689.1, NM_001407681.1 and 6 more transcripts); and 72 more.
Identifiers: ClinVar variation 209370 (VCV000209370.2), dbSNP rs190123841, ClinGen allele CA276342.

ClinVar aggregate classification (germline): Benign (3 of 4 stars; one submission).

Conditions:
Breast-ovarian cancer, familial, susceptibility to, 1 (BROVCA1). Also called: BRCA1 Hereditary Breast and Ovarian Cancer; OVARIAN CANCER, SUSCEPTIBILITY TO. Identifiers: Orphanet 145, MedGen C2676676, MONDO:0011450, OMIM 604370. Disease mechanism: loss of function.

Allele frequency attached by ClinVar (database versions not stated): 1000 Genomes Project 0.00300; 1000 Genomes Project 30x 0.00328; gnomAD 0.00369 and 0.00383; TOPMed 0.00430.
gnomAD v4.1: 553 of 151,372 alleles (0.37%); highest among the groups gnomAD compares: Middle Eastern, 2.4%; 5 homozygotes.

Submission:

Evidence-based Network for the Interpretation of Germline Mutant Alleles (ENIGMA)
Classification: Benign for Breast-ovarian cancer, familial 1. Last evaluated: 2015-01-12. Review status: reviewed by expert panel. Criteria: ENIGMA BRCA1/2 Classification Criteria (2015). Collection method: curation. Allele origin: germline.
Comment: Class 1 not pathogenic based on frequency >1% in an outbred sampleset. Frequency 0.01423 (African), derived from 1000 genomes (2012-04-30).